The following is an entry in ClinVar:

NM_001040142.2(SCN2A):c.2450A>G (p.Tyr817Cys)

Gene: SCN2A (sodium voltage-gated channel alpha subunit 2; plus strand). Cytogenetic location: 2q24.3.
Variant type: single nucleotide variant.
Coding change: c.2450A>G on transcript NM_001040142.2 (MANE Select); coding-DNA position 2450, A replaced by G.
Protein change: p.Tyr817Cys; replaces tyrosine 817 with cysteine.
Molecular consequence: missense variant.
Genome position (GRCh38, 1-based): chr2:165,342,357, A>G. VCF-style: chr2-165342357-A-G. GRCh37 (hg19) VCF-style: chr2-166198867-A-G.
Other names: c.2450A>G, p.Tyr817Cys (NM_001040143.2, NM_001371246.1, NM_001371247.1 and 1 more transcripts); short protein forms Y817C.
Identifiers: ClinVar variation 1791476 (VCV001791476.6), dbSNP rs1055183334, ClinGen allele CA349012616.
Genomic context (GRCh38, chr2:165,342,357, plus strand): 5'-TCTTCACAGGGATCTTCACAGCAGAAATGTTTCTCAAGATAATTGCCATGGATCCATATT[A>G]TTACTTTCAAGAAGGCTGGAATATTTTTGATGGTTTTATTGTGAGCCTTAGTTTAATGGA-3'
Protein context (NP_001035232.1, residues 807-827): FLKIIAMDPY[Tyr817Cys]YFQEGWNIFD

ClinVar aggregate classification (germline): Uncertain significance. Review status: criteria provided, multiple submitters, no conflicts (2 of 4 stars). 3 submissions from 3 submitters: Uncertain significance (3). Last evaluated 2025-08-19.

Conditions:
Seizures, benign familial infantile, 3 (BFIS3). Also called: CONVULSIONS, BENIGN FAMILIAL INFANTILE, 3; Familial neonatal seizures. Identifiers: Orphanet 140927, Orphanet 306, MedGen C1843140, MONDO:0011904, OMIM 607745.
Developmental and epileptic encephalopathy, 11 (DEE11). Also called: Early infantile epileptic encephalopathy 11. Identifiers: Orphanet 1934, MedGen C3150987, MONDO:0013388, OMIM 613721.
Inborn genetic diseases. Identifiers: MedGen C0950123, MeSH D030342.

Allele frequency attached by ClinVar (database versions not stated): gnomAD 0.00001; TOPMed 0.00002.

Submissions (3):

GeneDx
Classification: Uncertain significance. Last evaluated: 2025-08-19. Review status: criteria provided, single submitter. Criteria: GeneDx Variant Classification Process June 2021. Collection method: clinical testing. Allele origin: germline.
Comment: Not observed at significant frequency in large population cohorts (gnomAD); In silico analysis supports that this missense variant has a deleterious effect on protein structure/function; Has not been previously published as pathogenic or benign to our knowledge; This substitution is predicted to be within the intracellular loop between the S2 and S3 transmembrane segments of the second homologous domain

Labcorp Genetics (formerly Invitae), Labcorp
Classification: Uncertain significance for Seizures, benign familial infantile, 3; Developmental and epileptic encephalopathy, 11. Last evaluated: 2024-11-13. Review status: criteria provided, single submitter. Criteria: Invitae Variant Classification Sherloc (09022015). Collection method: clinical testing. Allele origin: germline.
Comment: This sequence change replaces tyrosine, which is neutral and polar, with cysteine, which is neutral and slightly polar, at codon 817 of the SCN2A protein (p.Tyr817Cys). This variant is not present in population databases (gnomAD no frequency). This variant has not been reported in the literature in individuals affected with SCN2A-related conditions. ClinVar contains an entry for this variant (Variation ID: 1791476). Invitae Evidence Modeling of protein sequence and biophysical properties (such as structural, functional, and spatial information, amino acid conservation, physicochemical variation, residue mobility, and thermodynamic stability) indicates that this missense variant is expected to disrupt SCN2A protein function with a positive predictive value of 95%. In summary, the available evidence is currently insufficient to determine the role of this variant in disease. Therefore, it has been classified as a Variant of Uncertain Significance.

Ambry Genetics
Classification: Uncertain significance for Inborn genetic diseases. Last evaluated: 2018-12-19. Review status: criteria provided, single submitter. Criteria: Ambry Variant Classification Scheme 2023. Collection method: clinical testing. Allele origin: germline.
Comment: The p.Y817C variant (also known as c.2450A>G), located in coding exon 14 of the SCN2A gene, results from an A to G substitution at nucleotide position 2450. The tyrosine at codon 817 is replaced by cysteine, an amino acid with highly dissimilar properties. This amino acid position is highly conserved in available vertebrate species. In addition, this alteration is predicted to be deleterious by in silico analysis. Since supporting evidence is limited at this time, the clinical significance of this alteration remains unclear.